The following is an entry in ClinVar:

ClinVar aggregate classification (germline): Conflicting classifications of pathogenicity. Review status: criteria provided, conflicting classifications (1 of 4 stars). 3 submissions from 3 submitters: Uncertain significance (2); Likely benign (1). Last evaluated 2025-02-15.

Conditions:
Inborn genetic diseases. Identifiers: MedGen C0950123, MeSH D030342.
Bethlem myopathy 1A. Also called: Bethlem Muscular Dystrophy; MYOPATHY, BENIGN CONGENITAL, WITH CONTRACTURES; Bethlem myopathy 1. Identifiers: Orphanet 610, MedGen CN029274, MONDO:0024530, OMIM 158810.

Allele frequency attached by ClinVar (database versions not stated): gnomAD 0.00004; gnomAD exomes 0.00006; TOPMed 0.00006; ExAC 0.00007; ESP Exome Variant Server 0.00008.

Submissions (3):

Labcorp Genetics (formerly Invitae), Labcorp
Classification: Likely benign for Bethlem myopathy 1A. Last evaluated: 2025-02-15. Review status: criteria provided, single submitter. Criteria: Invitae Variant Classification Sherloc (09022015). Collection method: clinical testing. Allele origin: germline.

Ambry Genetics
Classification: Uncertain significance for Inborn genetic diseases. Last evaluated: 2024-11-22. Review status: criteria provided, single submitter. Criteria: Ambry Variant Classification Scheme 2023. Collection method: clinical testing. Allele origin: germline.

Mayo Clinic Laboratories, Mayo Clinic
Classification: Uncertain significance. Last evaluated: 2022-11-09. Review status: criteria provided, single submitter. Criteria: ACMG Guidelines, 2015. Collection method: clinical testing. Allele origin: germline. Observed: 1 variant allele.
Comment: BP4

NM_004369.4(COL6A3):c.4691G>A (p.Arg1564His)

Gene: COL6A3 (collagen type VI alpha 3 chain; minus strand). Cytogenetic location: 2q37.3.
Variant type: single nucleotide variant.
Coding change: c.4691G>A on transcript NM_004369.4 (MANE Select); coding-DNA position 4691, G replaced by A.
Protein change: p.Arg1564His; replaces arginine 1564 with histidine.
Molecular consequence: missense variant.
Genome position (GRCh38, 1-based): chr2:237,368,772, C>T on the plus strand (G>A on the coding strand, the complement: COL6A3 is on the minus strand). VCF-style: chr2-237368772-C-T. GRCh37 (hg19) VCF-style: chr2-238277415-C-T.
Other names: p.Arg1564His; c.2870G>A, p.Arg957His (NM_057166.5); c.4073G>A, p.Arg1358His (NM_057167.4); short protein forms R1564H, R1358H, R957H.
Identifiers: ClinVar variation 476527 (VCV000476527.12), dbSNP rs368151192, ClinGen allele CA2188831.